The following is an entry in ClinVar:

NM_002016.2(FLG):c.11707G>T (p.Gly3903Ter)

Genes: CCDST (cervical cancer associated DHX9 suppressive transcript; plus strand), FLG (filaggrin; minus strand). Cytogenetic location: 1q21.3.
Variant type: single nucleotide variant.
Coding change: c.11707G>T on transcript NM_002016.2 (MANE Select); coding-DNA position 11707, G replaced by T.
Protein change: p.Gly3903Ter; replaces glycine 3903 with a stop codon.
Molecular consequence: nonsense.
Genome position (GRCh38, 1-based): chr1:152,303,179, C>A on the plus strand (G>T on the coding strand, the complement: FLG is on the minus strand). VCF-style: chr1-152303179-C-A. GRCh37 (hg19) VCF-style: chr1-152275655-C-A.
Other names: short protein forms G3903*.
Identifiers: ClinVar variation 5019666 (VCV005019666.2).

ClinVar aggregate classification (germline): Uncertain significance (1 of 4 stars; one submission).

Conditions:
Dermatitis, atopic, 2. Identifiers: MedGen C1853965, MONDO:0011596, OMIM 605803.
Ichthyosis vulgaris. Also called: ICHTHYOSIS SIMPLEX; Dominant ichthyosis vulgaris. Identifiers: MedGen C0079584, MONDO:0024304, OMIM 146700.

Submission:

Juno Genomics, Hangzhou Juno Genomics, Inc
Classification: Uncertain significance for Dermatitis, atopic, 2; Ichthyosis vulgaris. Review status: criteria provided, single submitter. Criteria: ACMG Guidelines, 2015. Collection method: clinical testing. Allele origin: germline.
Comment: Absent from controls (or at extremely low frequency if recessive) in Genome Aggregation Database.;Null variant in a gene where loss of function (LOF) is a known mechanism of disease.